The following is an entry in ClinVar:

NM_138420.4(AHNAK2):c.4541C>A (p.Ala1514Asp)

Gene: AHNAK2 (AHNAK nucleoprotein 2; minus strand). Cytogenetic location: 14q32.33.
Variant type: single nucleotide variant.
Coding change: c.4541C>A on transcript NM_138420.4 (MANE Select); coding-DNA position 4541, C replaced by A.
Protein change: p.Ala1514Asp; replaces alanine 1514 with aspartic acid.
Molecular consequence: missense variant.
Genome position (GRCh38, 1-based): chr14:104,950,910, G>T on the plus strand (C>A on the coding strand, the complement: AHNAK2 is on the minus strand). VCF-style: chr14-104950910-G-T. GRCh37 (hg19) VCF-style: chr14-105417247-G-T.
Other names: c.4241C>A, p.Ala1414Asp (NM_001350929.2); short protein forms A1414D, A1514D.
Identifiers: ClinVar variation 3101090 (VCV003101090.3), dbSNP rs189508268, ClinGen allele CA7382398.

ClinVar aggregate classification (germline): Conflicting classifications of pathogenicity. Review status: criteria provided, conflicting classifications (1 of 4 stars). 2 submissions from 2 submitters: Uncertain significance (1); Likely benign (1). Last evaluated 2026-08-01.

Allele frequency attached by ClinVar (database versions not stated): 1000 Genomes Project 30x 0.00109.
gnomAD v4.1: 152 of 1,555,368 alleles (0.0098%); highest among the groups gnomAD compares: Middle Eastern, 0.069%; 14 homozygotes.

Submissions (2):

CeGaT Center for Human Genetics Tuebingen
Classification: Likely benign. Last evaluated: 2026-08-01. Review status: criteria provided, single submitter. Criteria: CeGaT Center For Human Genetics Tuebingen Variant Classification Criteria Version 2. Collection method: clinical testing. Allele origin: germline. Affected: yes. Observed: 1 variant allele.
Comment: AHNAK2: BP4, BS2

Ambry Genetics
Classification: Uncertain significance. Last evaluated: 2026-04-11. Review status: criteria provided, single submitter. Criteria: Ambry Variant Classification Scheme 2023. Collection method: clinical testing. Allele origin: germline.
Comment: The c.4541C>A (p.A1514D) alteration is located in exon 7 (coding exon 7) of the AHNAK2 gene. This alteration results from a C to A substitution at nucleotide position 4541, causing the alanine (A) at amino acid position 1514 to be replaced by an aspartic acid (D). Based on data from gnomAD, the A allele has an overall frequency of 0.011% (30/266668) total alleles studied. The highest observed frequency was 0.051% (12/23388) of African alleles. Based on insufficient or conflicting evidence, the clinical significance of this alteration remains unclear.